The following is an entry in ClinVar:

NM_000784.4(CYP27A1):c.1321C>T (p.Pro441Ser)

Gene: CYP27A1 (cytochrome P450 family 27 subfamily A member 1; plus strand). Cytogenetic location: 2q35.
Variant type: single nucleotide variant.
Coding change: c.1321C>T on transcript NM_000784.4 (MANE Select); coding-DNA position 1321, C replaced by T.
Protein change: p.Pro441Ser; replaces proline 441 with serine.
Molecular consequence: missense variant.
Genome position (GRCh38, 1-based): chr2:218,814,602, C>T. VCF-style: chr2-218814602-C-T. GRCh37 (hg19) VCF-style: chr2-219679325-C-T.
Other names: short protein forms P441S.
Identifiers: ClinVar variation 4535656 (VCV004535656.1).

ClinVar aggregate classification (germline): Uncertain significance (1 of 4 stars; one submission).

gnomAD v4.1: 1 of 1,614,212 alleles (0.000062%); no homozygotes.

Submission:

Women's Health and Genetics/Laboratory Corporation of America, LabCorp
Classification: Uncertain significance. Last evaluated: 2025-09-09. Review status: criteria provided, single submitter. Criteria: LabCorp Variant Classification Summary - May 2015. Collection method: clinical testing. Allele origin: germline.
Comment: Variant summary: CYP27A1 c.1321C>T (p.Pro441Ser) results in a non-conservative amino acid change in the encoded protein sequence. Algorithms developed to predict the effect of missense changes on protein structure and function all suggest that this variant is likely to be disruptive. The variant was absent in 250832 control chromosomes (gnomAD). c.1321C>T has been observed in individual(s) affected with Cerebrotendinous Xanthomatosis (Lee_2001). These data indicate that the variant may be associated with disease. At least one publication reported experimental evidence evaluating an impact on protein function, and demonstrated 'modest decrease' in cholesterol 27-hydroxylase activity and vitamin D 25-hydroxylase activity when the variant protein was expressed in E. coli, but found increased vitamin D 25-hydroxylase activity when the variant protein was expressed in eukaryotic cells (Gupta_2007). The following publications have been ascertained in the context of this evaluation (PMID: 17697869, 11181744). No submitters have cited clinical-significance assessments for this variant to ClinVar. Based on the evidence outlined above, the variant was classified as VUS-possibly pathogenic.

Literature cited by the submitters: PubMed 11181744; PubMed 17697869.